The following is an entry in ClinVar:

NM_031407.7(HUWE1):c.5044C>T (p.Leu1682Phe)

Gene: HUWE1 (HECT, UBA and WWE domain containing E3 ubiquitin protein ligase 1; minus strand). Cytogenetic location: Xp11.22.
Variant type: single nucleotide variant.
Coding change: c.5044C>T on transcript NM_031407.7 (MANE Select); coding-DNA position 5044, C replaced by T.
Protein change: p.Leu1682Phe; replaces leucine 1682 with phenylalanine.
Molecular consequence: missense variant.
Genome position (GRCh38, 1-based): chrX:53,584,303, G>A on the plus strand (C>T on the coding strand, the complement: HUWE1 is on the minus strand). VCF-style: chrX-53584303-G-A. GRCh37 (hg19) VCF-style: chrX-53611263-G-A.
Other names: short protein forms L1682F.
Identifiers: ClinVar variation 3235742 (VCV003235742.1), dbSNP rs1715286288, ClinGen allele CA413174810.

ClinVar aggregate classification (germline): Uncertain significance (1 of 4 stars; one submission).

Submission:

Greenwood Genetic Center Diagnostic Laboratories, Greenwood Genetic Center
Classification: Uncertain significance. Last evaluated: 2024-02-14. Review status: criteria provided, single submitter. Criteria: ACMG Guidelines, 2015. Collection method: clinical testing. Allele origin: germline. Affected: yes.
Comment: PM2